The following is an entry in ClinVar:

NM_003850.3(SUCLA2):c.1148G>A (p.Arg383His)

Gene: SUCLA2 (succinate-CoA ligase ADP-forming subunit beta; minus strand). Cytogenetic location: 13q14.2.
Variant type: single nucleotide variant.
Coding change: c.1148G>A on transcript NM_003850.3 (MANE Select); coding-DNA position 1148, G replaced by A.
Protein change: p.Arg383His; replaces arginine 383 with histidine.
Molecular consequence: missense variant.
Genome position (GRCh38, 1-based): chr13:47,949,563, C>T on the plus strand (G>A on the coding strand, the complement: SUCLA2 is on the minus strand). VCF-style: chr13-47949563-C-T. GRCh37 (hg19) VCF-style: chr13-48523698-C-T.
Other names: short protein forms R383H.
Identifiers: ClinVar variation 1329839 (VCV001329839.2), dbSNP rs778429318, ClinGen allele CA249817874.

ClinVar aggregate classification (germline): Uncertain significance (1 of 4 stars; one submission).

Allele frequency attached by ClinVar (database versions not stated): gnomAD 0.00001.
gnomAD v4.1: 9 of 1,613,186 alleles (0.00056%); highest among the groups gnomAD compares: African/African-American, 0.0027%; no homozygotes.

Submission:

GeneDx
Classification: Uncertain significance. Last evaluated: 2021-06-24. Review status: criteria provided, single submitter. Criteria: GeneDx Variant Classification Process June 2021. Collection method: clinical testing. Allele origin: germline. Affected: yes.
Comment: Has not been previously published as pathogenic or benign to our knowledge; Not observed at significant frequency in large population cohorts (Lek et al., 2016); In silico analysis supports that this missense variant has a deleterious effect on protein structure/function